The following is an entry in ClinVar:

NM_001366145.2(TRPM3):c.2238G>A (p.Thr746=)

Gene: TRPM3 (transient receptor potential cation channel subfamily M member 3; minus strand). Cytogenetic location: 9q21.12.
Variant type: single nucleotide variant.
Coding change: c.2238G>A on transcript NM_001366145.2 (MANE Select); coding-DNA position 2238, G replaced by A.
Protein change: p.Thr746=; no amino-acid change (threonine 746 retained).
Molecular consequence: synonymous variant.
Genome position (GRCh38, 1-based): chr9:70,618,987, C>T on the plus strand (G>A on the coding strand, the complement: TRPM3 is on the minus strand). VCF-style: chr9-70618987-C-T. GRCh37 (hg19) VCF-style: chr9-73233903-C-T.
Other names: c.2202G>A, p.Thr734= (NM_001007471.4, NM_001366151.2); c.2208G>A, p.Thr736= (NM_001366141.2, NM_001366143.2, NM_001366149.2); c.2244G>A, p.Thr748= (NM_001366142.2); c.2238G>A, p.Thr746= (NM_001366146.2); c.2313G>A, p.Thr771= (NM_001366147.2, NM_001366152.2); c.2283G>A, p.Thr761= (NM_001366148.2); c.2172G>A, p.Thr724= (NM_001366150.2); c.1779G>A, p.Thr593= (NM_001366154.2, NM_024971.7); and 5 more.
Identifiers: ClinVar variation 3051524 (VCV003051524.3), dbSNP rs151177976, ClinGen allele CA5078350.
Genomic context (GRCh38, chr9:70,618,987, plus strand): 5'-CTGGCTGCACGTGTGCGCGATGAAGTCGCGGTGTTTGGCAGCCACGGCAAGCTGCAGGCA[C>T]GTGGCGTTGCTCCAGTTCTTCAGCTCATACGTCAGCAGTTTCATGGCCAGCTGTTCGTCC-3'
Protein context (NP_001353074.1, residues 736-756): TYELKNWSNA[Thr746=]CLQLAVAAKH

ClinVar aggregate classification (germline): Likely benign. Review status: criteria provided, single submitter (1 of 4 stars). 2 submissions from 2 submitters: Likely benign (1). 1 of the submissions does not count toward it. Last evaluated 2024-11-25.

Conditions:
TRPM3-related disorder. Also called: TRPM3-related condition.

Allele frequency attached by ClinVar (database versions not stated): gnomAD exomes 0.00008; ExAC 0.00022; gnomAD 0.00058; 1000 Genomes Project 0.00060; TOPMed 0.00061; ESP Exome Variant Server 0.00092; 1000 Genomes Project 30x 0.00094.
gnomAD v4.1: 220 of 1,614,212 alleles (0.014%); highest among the groups gnomAD compares: African/African-American, 0.19%; no homozygotes.

Submissions (2):

Blueprint Genetics
Classification: Likely benign. Last evaluated: 2024-11-25. Review status: criteria provided, single submitter. Criteria: ACMG Guidelines, 2015. Collection method: clinical testing. Allele origin: germline.

PreventionGenetics, part of Exact Sciences
Classification: Likely benign for TRPM3-related condition. Last evaluated: 2020-01-14. Review status: no assertion criteria provided. Collection method: clinical testing. Allele origin: germline. Not counted in ClinVar's aggregate classification.
Comment: This variant is classified as likely benign based on ACMG/AMP sequence variant interpretation guidelines (Richards et al. 2015 PMID: 25741868, with internal and published modifications).